The following is an entry in ClinVar:

NM_032436.4(CHAMP1):c.292C>T (p.Gln98Ter)

Gene: CHAMP1 (chromosome alignment maintaining phosphoprotein 1; plus strand). Cytogenetic location: 13q34.
Variant type: single nucleotide variant.
Coding change: c.292C>T on transcript NM_032436.4 (MANE Select); coding-DNA position 292, C replaced by T.
Protein change: p.Gln98Ter; replaces glutamine 98 with a stop codon.
Molecular consequence: nonsense.
Genome position (GRCh38, 1-based): chr13:114,324,134, C>T. VCF-style: chr13-114324134-C-T. GRCh37 (hg19) VCF-style: chr13-115089609-C-T.
Other names: c.292C>T, p.Gln98Ter (NM_001164144.3, NM_001164145.3); short protein forms Q98*.
Identifiers: ClinVar variation 4819158 (VCV004819158.1).

ClinVar aggregate classification (germline): Pathogenic (1 of 4 stars; one submission).

Conditions:
Neurodevelopmental disorder with hypotonia, impaired language, and dysmorphic features. Also called: Intellectual disability, autosomal dominant 40. Identifiers: Orphanet 692193, MedGen C5676894, MONDO:0014699, OMIM 616579.

Submission:

Institute of Human Genetics, University of Leipzig Medical Center
Classification: Pathogenic for Neurodevelopmental disorder with hypotonia, impaired language, and dysmorphic features. Last evaluated: 2026-02-04. Review status: criteria provided, single submitter. Criteria: ACMG Guidelines, 2015. Collection method: clinical testing. Allele origin: de novo. Inheritance: Autosomal dominant inheritance. Affected: yes.
Comment: Criteria applied: PVS1,PS2_MOD,PM2